The following is an entry in ClinVar:

NM_014159.7(SETD2):c.1486A>C (p.Lys496Gln)

Gene: SETD2 (SET domain containing 2, histone lysine methyltransferase; minus strand). Cytogenetic location: 3p21.31.
Variant type: single nucleotide variant.
Coding change: c.1486A>C on transcript NM_014159.7 (MANE Select); coding-DNA position 1486, A replaced by C.
Protein change: p.Lys496Gln; replaces lysine 496 with glutamine.
Molecular consequence: missense variant. On other transcripts: non-coding transcript variant (1).
Genome position (GRCh38, 1-based): chr3:47,123,150, T>G on the plus strand (A>C on the coding strand, the complement: SETD2 is on the minus strand). VCF-style: chr3-47123150-T-G. GRCh37 (hg19) VCF-style: chr3-47164640-T-G.
Other names: c.1354A>C, p.Lys452Gln (NM_001349370.3); short protein forms K452Q, K496Q.
Identifiers: ClinVar variation 2576821 (VCV002576821.2), dbSNP rs2106696514, ClinGen allele CA352530368.
Genomic context (GRCh38, chr3:47,123,150, plus strand): 5'-TTTCTAGTTTTGAAGAATACTTGCCTCTTCTTTCCATCTCTAAGTAAGAGGTCTCAGTTT[T>G]ACAGTCCCGATCAGATTTAGAATAGGATGATGTCCTTAGGTCTCTGTAAGAAGAGGAATG-3'
Protein context (NP_054878.5, residues 486-506): SSYSKSDRDC[Lys496Gln]TETSYLEMER

ClinVar aggregate classification (germline): Uncertain significance (1 of 4 stars; one submission).

Submission:

GeneDx
Classification: Uncertain significance. Last evaluated: 2026-09-30. Review status: criteria provided, single submitter. Criteria: GeneDx Variant Classification Process June 2021. Collection method: clinical testing. Allele origin: germline.
Comment: Not observed at significant frequency in large population cohorts (gnomAD); In silico analysis supports that this missense variant has a deleterious effect on protein structure/function; Has not been previously published as pathogenic or benign to our knowledge